The following is an entry in ClinVar:

NM_020859.4(SHROOM3):c.4754T>A (p.Met1585Lys)

Genes: SHROOM3 (shroom family member 3; plus strand), SHROOM3-AS1 (SHROOM3 antisense RNA 1; minus strand). Cytogenetic location: 4q21.1.
Variant type: single nucleotide variant.
Coding change: c.4754T>A on transcript NM_020859.4 (MANE Select); coding-DNA position 4754, T replaced by A.
Protein change: p.Met1585Lys; replaces methionine 1585 with lysine.
Molecular consequence: missense variant.
Genome position (GRCh38, 1-based): chr4:76,756,493, T>A. VCF-style: chr4-76756493-T-A. GRCh37 (hg19) VCF-style: chr4-77677646-T-A.
Other names: short protein forms M1585K.
Identifiers: ClinVar variation 721106 (VCV000721106.20), dbSNP rs61739943, ClinGen allele CA2973126.

ClinVar aggregate classification (germline): Benign/Likely benign. Review status: criteria provided, multiple submitters, no conflicts (2 of 4 stars). 4 submissions from 4 submitters: Benign (2); Likely benign (1). 1 of the submissions does not count toward it. Last evaluated 2025-02-01.

Conditions:
SHROOM3-related disorder. Also called: SHROOM3-related condition.

Allele frequency attached by ClinVar (database versions not stated): gnomAD exomes 0.00127 and 0.00256; ExAC 0.00253; ESP Exome Variant Server 0.00338; gnomAD 0.00398 and 0.00408; TOPMed 0.00464; 1000 Genomes Project 0.00499; 1000 Genomes Project 30x 0.00547.

Submissions (4):

CeGaT Center for Human Genetics Tuebingen
Classification: Likely benign. Last evaluated: 2025-02-01. Review status: criteria provided, single submitter. Criteria: CeGaT Center For Human Genetics Tuebingen Variant Classification Criteria Version 2. Collection method: clinical testing. Allele origin: germline. Affected: yes. Observed: 1 variant allele.
Comment: SHROOM3: BP4, BS2

Labcorp Genetics (formerly Invitae), Labcorp
Classification: Benign. Last evaluated: 2019-12-31. Review status: criteria provided, single submitter. Criteria: Invitae Variant Classification Sherloc (09022015). Collection method: clinical testing. Allele origin: germline.

Breakthrough Genomics
Classification: Benign. Review status: criteria provided, single submitter. Criteria: ACMG Guidelines, 2015. Collection method: not provided. Allele origin: germline. Inheritance: Unknown mechanism. Affected: yes.

PreventionGenetics, part of Exact Sciences
Classification: Likely benign for SHROOM3-related condition. Last evaluated: 2019-04-26. Review status: no assertion criteria provided. Collection method: clinical testing. Allele origin: germline. Not counted in ClinVar's aggregate classification.
Comment: This variant is classified as likely benign based on ACMG/AMP sequence variant interpretation guidelines (Richards et al. 2015 PMID: 25741868, with internal and published modifications).